The following is an entry in ClinVar:

NM_024652.6(LRRK1):c.558G>T (p.Arg186Ser)

Gene: LRRK1 (leucine rich repeat kinase 1; plus strand). Cytogenetic location: 15q26.3.
Variant type: single nucleotide variant.
Coding change: c.558G>T on transcript NM_024652.6 (MANE Select); coding-DNA position 558, G replaced by T.
Protein change: p.Arg186Ser; replaces arginine 186 with serine.
Molecular consequence: missense variant.
Genome position (GRCh38, 1-based): chr15:100,988,758, G>T. VCF-style: chr15-100988758-G-T. GRCh37 (hg19) VCF-style: chr15-101528963-G-T.
Other names: short protein forms R186S.
Identifiers: ClinVar variation 2062888 (VCV002062888.5), dbSNP rs757519760, ClinGen allele CA7760632.

ClinVar aggregate classification (germline): Uncertain significance. Review status: criteria provided, multiple submitters, no conflicts (2 of 4 stars). 2 submissions from 2 submitters: Uncertain significance (2). Last evaluated 2022-08-12.

Conditions:
Inborn genetic diseases. Identifiers: MedGen C0950123, MeSH D030342.

Allele frequency attached by ClinVar (database versions not stated): ExAC 0.00001.

Submissions (2):

Labcorp Genetics (formerly Invitae), Labcorp
Classification: Uncertain significance. Last evaluated: 2022-08-12. Review status: criteria provided, single submitter. Criteria: Invitae Variant Classification Sherloc (09022015). Collection method: clinical testing. Allele origin: germline.
Comment: This sequence change replaces arginine, which is basic and polar, with serine, which is neutral and polar, at codon 186 of the LRRK1 protein (p.Arg186Ser). In summary, the available evidence is currently insufficient to determine the role of this variant in disease. Therefore, it has been classified as a Variant of Uncertain Significance. Algorithms developed to predict the effect of sequence changes on RNA splicing suggest that this variant may create or strengthen a splice site. Algorithms developed to predict the effect of missense changes on protein structure and function are either unavailable or do not agree on the potential impact of this missense change (SIFT: "Tolerated"; PolyPhen-2: "Possibly Damaging"; Align-GVGD: "Class C0"). This variant has not been reported in the literature in individuals affected with LRRK1-related conditions. This variant is present in population databases (rs757519760, gnomAD 0.0009%).

Ambry Genetics
Classification: Uncertain significance for Inborn genetic diseases. Last evaluated: 2021-07-28. Review status: criteria provided, single submitter. Criteria: Ambry Variant Classification Scheme 2023. Collection method: clinical testing. Allele origin: germline.